The following is an entry in ClinVar:

NM_001876.4(CPT1A):c.151dup (p.Ile51fs)

Gene: CPT1A (carnitine palmitoyltransferase 1A; minus strand). Cytogenetic location: 11q13.3.
Variant type: Duplication.
Coding change: c.151dup on transcript NM_001876.4 (MANE Select); coding-DNA position 151, one base duplicated (A; older notation c.151dupA).
Protein change: p.Ile51fs; shifts the reading frame from isoleucine 51.
Molecular consequence: frameshift variant.
Genome position (GRCh38, 1-based): chr11:68,812,567, T duplicated on the plus strand (A on the coding strand, the reverse complement: CPT1A is on the minus strand). VCF-style (leftmost placement, unchanged base first): chr11-68812566-A-AT. GRCh37 (hg19) VCF-style: chr11-68580034-A-AT.
Other names: c.151dup, p.Ile51fs (NM_001031847.3); short protein forms I51fs.
Identifiers: ClinVar variation 2100857 (VCV002100857.4), dbSNP rs2495682477, ClinGen allele CA2580084769.
Genomic context (GRCh38, chr11:68,812,566, plus strand): 5'-GTCATCACGCCCACCACCACGATAAGCCAACTGGAGGGGCTTGCCGGGTACACGCCAGTG[A>AT]TGATGCCGTTCTAAAGACAGACACCCGGGCCGTGAGCGGTGTCCTCCCACAACCCACAGG-3'

ClinVar aggregate classification (germline): Pathogenic (1 of 4 stars; one submission).

Conditions:
Carnitine palmitoyl transferase 1A deficiency. Also called: CPT I DEFICIENCY; CPT DEFICIENCY, HEPATIC, TYPE I; Carnitine palmitoyltransferase type I deficiency; CPT deficiency, hepatic, type IA; Carnitine palmitoyltransferase 1A deficiency. Identifiers: Orphanet 156, MedGen C1829703, MONDO:0009705, OMIM 255120.

Submission:

Labcorp Genetics (formerly Invitae), Labcorp
Classification: Pathogenic for Carnitine palmitoyl transferase 1A deficiency. Last evaluated: 2022-02-21. Review status: criteria provided, single submitter. Criteria: Invitae Variant Classification Sherloc (09022015). Collection method: clinical testing. Allele origin: germline.
Comment: For these reasons, this variant has been classified as Pathogenic. This variant has not been reported in the literature in individuals affected with CPT1A-related conditions. This variant is not present in population databases (gnomAD no frequency). This sequence change creates a premature translational stop signal (p.Ile51Asnfs*89) in the CPT1A gene. It is expected to result in an absent or disrupted protein product. Loss-of-function variants in CPT1A are known to be pathogenic (PMID: 16169268).

Literature cited by the submitters: PubMed 16169268.